The following is an entry in ClinVar:

ClinVar aggregate classification (germline): Likely benign. Review status: criteria provided, multiple submitters, no conflicts (2 of 4 stars). 3 submissions from 2 submitters: Likely benign (3). Last evaluated 2023-10-01.

Conditions:
Neurodevelopmental disorder with progressive spasticity and brain white matter abnormalities. Also called: CEREBRAL PALSY, SPASTIC QUADRIPLEGIC, 1. Identifiers: Orphanet 210141, Orphanet 641353, MedGen C5436628, MONDO:0033613, OMIM 619026.
Spastic paraplegia 83, autosomal recessive. Identifiers: Orphanet 631076, MedGen C5436637, MONDO:0033614, OMIM 619027.

Allele frequency attached by ClinVar (database versions not stated): gnomAD 0.00019 and 0.00039; TOPMed 0.00020; ESP Exome Variant Server 0.00023; gnomAD exomes 0.00049 and 0.00073; ExAC 0.00087; 1000 Genomes Project 0.00180; 1000 Genomes Project 30x 0.00187.
gnomAD v4.1: 774 of 1,614,258 alleles (0.048%); highest among the groups gnomAD compares: South Asian, 0.44%; 3 homozygotes.

Submissions (3):

CeGaT Center for Human Genetics Tuebingen
Classification: Likely benign. Last evaluated: 2023-10-01. Review status: criteria provided, single submitter. Criteria: CeGaT Center For Human Genetics Tuebingen Variant Classification Criteria Version 2. Collection method: clinical testing. Allele origin: germline. Affected: yes. Observed: 2 variant alleles.
Comment: HPDL: BP4, BP7

Genome-Nilou Lab
Classification: Likely benign for Neurodevelopmental disorder with progressive spasticity and brain white matter abnormalities. Last evaluated: 2023-04-11. Review status: criteria provided, single submitter. Criteria: ACMG Guidelines, 2015. Collection method: clinical testing. Allele origin: germline. Affected: no.

Genome-Nilou Lab
Classification: Likely benign for Spastic paraplegia 83, autosomal recessive. Last evaluated: 2023-04-11. Review status: criteria provided, single submitter. Criteria: ACMG Guidelines, 2015. Collection method: clinical testing. Allele origin: germline. Affected: no.

NM_032756.4(HPDL):c.1017G>A (p.Glu339=)

Gene: HPDL (4-hydroxyphenylpyruvate dioxygenase like; plus strand). Cytogenetic location: 1p34.1.
Variant type: single nucleotide variant.
Coding change: c.1017G>A on transcript NM_032756.4 (MANE Select); coding-DNA position 1017, G replaced by A.
Protein change: p.Glu339=; no amino-acid change (glutamic acid 339 retained).
Molecular consequence: synonymous variant.
Genome position (GRCh38, 1-based): chr1:45,328,165, G>A. VCF-style: chr1-45328165-G-A. GRCh37 (hg19) VCF-style: chr1-45793837-G-A.
Identifiers: ClinVar variation 1694510 (VCV001694510.32), dbSNP rs148694275, ClinGen allele CA826380.